The following is an entry in ClinVar:

ClinVar aggregate classification (germline): Benign/Likely benign. Review status: criteria provided, multiple submitters, no conflicts (2 of 4 stars). 4 submissions from 4 submitters: Benign (1); Likely benign (2). 1 of the submissions does not count toward it. Last evaluated 2025-02-28.

Conditions:
TRPC6-related disorder. Also called: TRPC6-related condition.
Focal segmental glomerulosclerosis 2 (FSGS2). Identifiers: Orphanet 656, MedGen C1858915, MONDO:0011390, OMIM 603965.

Allele frequency attached by ClinVar (database versions not stated): gnomAD 0.00002 and 0.00003; TOPMed 0.00003; ExAC 0.00004; gnomAD exomes 0.00005; 1000 Genomes Project 0.00020; 1000 Genomes Project 30x 0.00031.
gnomAD v4.1: 17 of 1,613,862 alleles (0.0011%); highest among the groups gnomAD compares: Admixed American, 0.028%; no homozygotes.

Submissions (4):

Labcorp Genetics (formerly Invitae), Labcorp
Classification: Likely benign. Last evaluated: 2025-02-28. Review status: criteria provided, single submitter. Criteria: Invitae Variant Classification Sherloc (09022015). Collection method: clinical testing. Allele origin: germline.

Fulgent Genetics
Classification: Likely benign for Focal segmental glomerulosclerosis 2. Last evaluated: 2022-05-02. Review status: criteria provided, single submitter. Criteria: ACMG Guidelines, 2015. Collection method: clinical testing. Allele origin: unknown.

Athena Diagnostics
Classification: Benign. Last evaluated: 2017-05-01. Review status: criteria provided, single submitter. Criteria: Athena Diagnostics Criteria. Collection method: clinical testing. Allele origin: germline.

PreventionGenetics, part of Exact Sciences
Classification: Likely benign for TRPC6-related condition. Last evaluated: 2022-12-10. Review status: no assertion criteria provided. Collection method: clinical testing. Allele origin: germline. Not counted in ClinVar's aggregate classification.
Comment: This variant is classified as likely benign based on ACMG/AMP sequence variant interpretation guidelines (Richards et al. 2015 PMID: 25741868, with internal and published modifications).

NM_004621.6(TRPC6):c.1294-4G>A

Gene: TRPC6 (transient receptor potential cation channel subfamily C member 6; minus strand). Cytogenetic location: 11q22.1.
Variant type: single nucleotide variant.
Coding change: c.1294-4G>A on transcript NM_004621.6 (MANE Select); 4 bases into the intron before coding-DNA position 1294, G replaced by A.
Molecular consequence: intron variant.
Genome position (GRCh38, 1-based): chr11:101,483,169, C>T on the plus strand (G>A on the coding strand, the complement: TRPC6 is on the minus strand). VCF-style: chr11-101483169-C-T. GRCh37 (hg19) VCF-style: chr11-101353900-C-T.
Identifiers: ClinVar variation 448705 (VCV000448705.13), dbSNP rs190191809, ClinGen allele CA6244347.